The following is an entry in ClinVar:

ClinVar aggregate classification (germline): Likely benign. Review status: criteria provided, single submitter (1 of 4 stars). 2 submissions from 2 submitters: Likely benign (1). 1 of the submissions does not count toward it. Last evaluated 2026-01-01.

Conditions:
NCR3-related disorder. Also called: NCR3-related condition.

Submissions (2):

CeGaT Center for Human Genetics Tuebingen
Classification: Likely benign. Last evaluated: 2026-01-01. Review status: criteria provided, single submitter. Criteria: CeGaT Center For Human Genetics Tuebingen Variant Classification Criteria Version 2. Collection method: clinical testing. Allele origin: germline. Affected: yes. Observed: 2 variant alleles.
Comment: NCR3: BP4

PreventionGenetics, part of Exact Sciences
Classification: Likely benign for NCR3-related condition. Last evaluated: 2019-06-05. Review status: no assertion criteria provided. Collection method: clinical testing. Allele origin: germline. Not counted in ClinVar's aggregate classification.
Comment: This variant is classified as likely benign based on ACMG/AMP sequence variant interpretation guidelines (Richards et al. 2015 PMID: 25741868, with internal and published modifications).

NM_147130.3(NCR3):c.44-3del

Gene: NCR3 (natural cytotoxicity triggering receptor 3; minus strand). Cytogenetic location: 6p21.33.
Variant type: Deletion.
Coding change: c.44-3del on transcript NM_147130.3 (MANE Select); 3 bases into the intron before coding-DNA position 44, one base deleted (C; older notation c.44-3delC).
Molecular consequence: intron variant.
Genome position (GRCh38, 1-based): chr6:31,590,129, G deleted on the plus strand (C on the coding strand, the reverse complement: NCR3 is on the minus strand); the first of 5 consecutive G bases (chr6:31,590,129-31,590,133); deleting any one gives the same sequence. VCF-style (leftmost placement, unchanged base first): chr6-31590128-TG-T. GRCh37 (hg19) VCF-style: chr6-31557905-TG-T.
Other names: c.44-3delC (NM_147130.2); c.44-3del (NM_001145466.2, NM_001145467.2).
Identifiers: ClinVar variation 2656403 (VCV002656403.25), dbSNP rs747211099, ClinGen allele CA3714677.
Genomic context (GRCh38, chr6:31,590,128, plus strand): 5'-AGAGGATCCTTCCAGGGTACGAATCTCAGGGGGCTGGGACACCCAGAGAGCACAGGATCC[TG>T]GGGGCAGAAGGAAGACCCAGAGAAACACCTCCCCAGTTATTCCAAAGAGAAAAGACAACA-3'